The following is an entry in ClinVar:

ClinVar aggregate classification (germline): Uncertain significance (1 of 4 stars; one submission).

gnomAD v4.1: 4 of 1,541,922 alleles (0.00026%); highest among the groups gnomAD compares: Non-Finnish European, 0.00035%; no homozygotes.

Submission:

Labcorp Genetics (formerly Invitae), Labcorp
Classification: Uncertain significance. Last evaluated: 2025-12-09. Review status: criteria provided, single submitter. Criteria: Invitae Variant Classification Sherloc (09022015). Collection method: clinical testing. Allele origin: germline.
Comment: This sequence change replaces arginine, which is basic and polar, with cysteine, which is neutral and slightly polar, at codon 100 of the ARIH1 protein (p.Arg100Cys). This variant is not present in population databases (gnomAD no frequency). This variant has not been reported in the literature in individuals affected with ARIH1-related conditions. ClinVar contains an entry for this variant (Variation ID: 3678084). An algorithm developed to predict the effect of missense changes on protein structure and function (PolyPhen-2) suggests that this variant is likely to be tolerated. In summary, the available evidence is currently insufficient to determine the role of this variant in disease. Therefore, it has been classified as a Variant of Uncertain Significance.

NM_005744.5(ARIH1):c.298C>T (p.Arg100Cys)

Gene: ARIH1 (ariadne RBR E3 ubiquitin protein ligase 1; plus strand). Cytogenetic location: 15q24.1.
Variant type: single nucleotide variant.
Coding change: c.298C>T on transcript NM_005744.5 (MANE Select); coding-DNA position 298, C replaced by T.
Protein change: p.Arg100Cys; replaces arginine 100 with cysteine.
Molecular consequence: missense variant.
Genome position (GRCh38, 1-based): chr15:72,474,937, C>T. VCF-style: chr15-72474937-C-T. GRCh37 (hg19) VCF-style: chr15-72767278-C-T.
Other names: short protein forms R100C.
Identifiers: ClinVar variation 3678084 (VCV003678084.2).